The following is an entry in ClinVar:

NM_004385.5(VCAN):c.92C>T (p.Pro31Leu)

Gene: VCAN (versican; plus strand). Cytogenetic location: 5q14.2.
Variant type: single nucleotide variant.
Coding change: c.92C>T on transcript NM_004385.5 (MANE Select); coding-DNA position 92, C replaced by T.
Protein change: p.Pro31Leu; replaces proline 31 with leucine.
Molecular consequence: missense variant.
Genome position (GRCh38, 1-based): chr5:83,490,119, C>T. VCF-style: chr5-83490119-C-T. GRCh37 (hg19) VCF-style: chr5-82785938-C-T.
Other names: c.92C>T, p.Pro31Leu (NM_001126336.3, NM_001164097.2, NM_001164098.2); short protein forms P31L.
Identifiers: ClinVar variation 954214 (VCV000954214.9), dbSNP rs776898982, ClinGen allele CA3332387.
Genomic context (GRCh38, chr5:83,490,119, plus strand): 5'-TTTTAAGATTGTTAATTTGTTATTTTCTCTTTCCTCTAGTCAAAGTGGGAAAAAGCCCAC[C>T]GGTGAGGGGCTCCCTCTCTGGAAAAGTCAGCCTACCTTGTCATTTTTCAACGATGCCTAC-3'
Protein context (NP_004376.2, residues 21-41): LHKVKVGKSP[Pro31Leu]VRGSLSGKVS

ClinVar aggregate classification (germline): Conflicting classifications of pathogenicity. Review status: criteria provided, conflicting classifications (1 of 4 stars). 3 submissions from 3 submitters: Uncertain significance (2); Likely benign (1). Last evaluated 2025-10-13.

Conditions:
Inborn genetic diseases. Identifiers: MedGen C0950123, MeSH D030342.

Allele frequency attached by ClinVar (database versions not stated): gnomAD 0.00005; TOPMed 0.00006; gnomAD exomes 0.00008 and 0.00013; ExAC 0.00009.
gnomAD v4.1: 190 of 1,613,870 alleles (0.012%); highest among the groups gnomAD compares: Non-Finnish European, 0.015%; no homozygotes.

Submissions (3):

Labcorp Genetics (formerly Invitae), Labcorp
Classification: Uncertain significance. Last evaluated: 2025-10-13. Review status: criteria provided, single submitter. Criteria: Invitae Variant Classification Sherloc (09022015). Collection method: clinical testing. Allele origin: germline.
Comment: This sequence change replaces proline, which is neutral and non-polar, with leucine, which is neutral and non-polar, at codon 31 of the VCAN protein (p.Pro31Leu). This variant is present in population databases (rs776898982, gnomAD 0.02%). This variant has not been reported in the literature in individuals affected with VCAN-related conditions. ClinVar contains an entry for this variant (Variation ID: 954214). An algorithm developed to predict the effect of missense changes on protein structure and function (PolyPhen-2) suggests that this variant is likely to be tolerated. In summary, the available evidence is currently insufficient to determine the role of this variant in disease. Therefore, it has been classified as a Variant of Uncertain Significance.

Blueprint Genetics
Classification: Likely benign. Last evaluated: 2024-06-05. Review status: criteria provided, single submitter. Criteria: ACMG Guidelines, 2015. Collection method: clinical testing. Allele origin: germline.

Ambry Genetics
Classification: Uncertain significance for Inborn genetic diseases. Last evaluated: 2022-04-12. Review status: criteria provided, single submitter. Criteria: Ambry Variant Classification Scheme 2023. Collection method: clinical testing. Allele origin: germline.